The following is an entry in ClinVar:

ClinVar aggregate classification (germline): Uncertain significance. Review status: criteria provided, multiple submitters, no conflicts (2 of 4 stars). 2 submissions from 2 submitters: Uncertain significance (2). Last evaluated 2026-01-24.

Conditions:
Anauxetic dysplasia. Identifiers: Orphanet 93347, MedGen C1846796, MONDO:0011773.

gnomAD v4.1: 21 of 700,170 alleles (0.003%); highest among the groups gnomAD compares: East Asian, 0.013%; no homozygotes.

Submissions (2):

Labcorp Genetics (formerly Invitae), Labcorp
Classification: Uncertain significance for Anauxetic dysplasia. Last evaluated: 2026-01-24. Review status: criteria provided, single submitter. Criteria: Invitae Variant Classification Sherloc (09022015). Collection method: clinical testing. Allele origin: germline.
Comment: This variant occurs in the RMRP gene, which encodes an RNA molecule that does not result in a protein product. This variant is present in population databases (no rsID available, gnomAD 0.05%). This variant has not been reported in the literature in individuals affected with RMRP-related conditions. ClinVar contains an entry for this variant (Variation ID: 1434155). In summary, the available evidence is currently insufficient to determine the role of this variant in disease. Therefore, it has been classified as a Variant of Uncertain Significance.

Blueprint Genetics
Classification: Uncertain significance. Last evaluated: 2022-10-24. Review status: criteria provided, single submitter. Criteria: ACMG Guidelines, 2015. Collection method: clinical testing. Allele origin: germline.

NC_000009.12:g.35657963G>A

Gene: RMRP (RNA component of mitochondrial RNA processing endoribonuclease; minus strand). Cytogenetic location: 9p13.3.
Variant type: single nucleotide variant.
Genome position: GRCh38 VCF-style: chr9-35657963-G-A. GRCh37 (hg19) VCF-style: chr9-35657960-G-A.
Identifiers: ClinVar variation 1434155 (VCV001434155.5), dbSNP rs999349961, ClinGen allele CA464450929.